The following is an entry in ClinVar:

ClinVar aggregate classification (germline): Pathogenic (1 of 4 stars; one submission).

Submission:

GeneDx
Classification: Pathogenic. Last evaluated: 2026-07-28. Review status: criteria provided, single submitter. Criteria: GeneDx Variant Classification Process June 2021. Collection method: clinical testing. Allele origin: germline.
Comment: Frameshift variant predicted to result in protein truncation or nonsense mediated decay in a gene for which loss of function is a known mechanism of disease; Not observed at significant frequency in large population cohorts (gnomAD); Has not been previously published as pathogenic or benign to our knowledge

NM_013275.6(ANKRD11):c.3829del (p.Glu1277fs)

Gene: ANKRD11 (ankyrin repeat domain 11; minus strand). Cytogenetic location: 16q24.3.
Variant type: Deletion.
Coding change: c.3829del on transcript NM_013275.6 (MANE Select); coding-DNA position 3829, one base deleted (G; older notation c.3829delG).
Protein change: p.Glu1277fs; shifts the reading frame from glutamic acid 1277.
Molecular consequence: frameshift variant.
Genome position (GRCh38, 1-based): chr16:89,282,713, C deleted on the plus strand (G on the coding strand, the reverse complement: ANKRD11 is on the minus strand); the first of 2 consecutive C bases (chr16:89,282,713-89,282,714); deleting either gives the same sequence. VCF-style (leftmost placement, unchanged base first): chr16-89282712-TC-T. GRCh37 (hg19) VCF-style: chr16-89349120-TC-T.
Other names: c.3829del, p.Glu1277fs (NM_001256182.2, NM_001256183.2); short protein forms E1277fs.
Identifiers: ClinVar variation 2443684 (VCV002443684.2), dbSNP rs2544235453, ClinGen allele CA2580092278.